The following is an entry in ClinVar:

NM_000257.4(MYH7):c.5306T>C (p.Leu1769Pro)

Genes: MYH7 (myosin heavy chain 7; minus strand), LOC126861897 (BRD4-independent group 4 enhancer GRCh37_chr14:23884455-23885654; plus strand). Cytogenetic location: 14q11.2.
Variant type: single nucleotide variant.
Coding change: c.5306T>C on transcript NM_000257.4 (MANE Select); coding-DNA position 5306, T replaced by C.
Protein change: p.Leu1769Pro; replaces leucine 1769 with proline.
Molecular consequence: missense variant.
Genome position (GRCh38, 1-based): chr14:23,415,248, A>G on the plus strand (T>C on the coding strand, the complement: MYH7 is on the minus strand). VCF-style: chr14-23415248-A-G. GRCh37 (hg19) VCF-style: chr14-23884457-A-G.
Other names: short protein forms L1769P.
Identifiers: ClinVar variation 968207 (VCV000968207.13), dbSNP rs1892140874, ClinGen allele CA389035893.

ClinVar aggregate classification (germline): Uncertain significance. Review status: criteria provided, multiple submitters, no conflicts (2 of 4 stars). 3 submissions from 3 submitters: Uncertain significance (3). Last evaluated 2025-08-09.

Conditions:
MYH7-related disorder. Also called: MYH7-related disorders; MYH7-related condition; MYH7-related disease.
Hypertrophic cardiomyopathy. Also called: HYPERTROPHIC MYOCARDIOPATHY. Identifiers: Orphanet 217569, MedGen C0007194, MeSH D002312, MONDO:0005045, HP:0001639.

Submissions (3):

PreventionGenetics, part of Exact Sciences
Classification: Uncertain significance for MYH7-related condition. Last evaluated: 2025-08-09. Review status: criteria provided, single submitter. Criteria: ACMG Guidelines, 2015. Collection method: clinical testing. Allele origin: germline.
Comment: The MYH7 c.5306T>C variant is predicted to result in the amino acid substitution p.Leu1769Pro. To our knowledge, this variant has not been reported in the literature or in a large population database (gnomAD), indicating this variant is rare. A different missense variant affecting this amino acid (p.Leu1769Met) has been reported in multiple individuals with cardiomyopathy; however, it has been interpreted as uncertain by the ClinGen Cardiomyopathy Variant Curation Expert Panel (ClinVar ID: 161323). At this time, the clinical significance of this variant is uncertain due to the absence of conclusive functional and genetic evidence.

Revvity Omics, Revvity
Classification: Uncertain significance. Last evaluated: 2023-06-30. Review status: criteria provided, single submitter. Criteria: ACMG Guidelines, 2015. Collection method: clinical testing. Allele origin: germline.

Labcorp Genetics (formerly Invitae), Labcorp
Classification: Uncertain significance for Hypertrophic cardiomyopathy. Last evaluated: 2022-07-11. Review status: criteria provided, single submitter. Criteria: Invitae Variant Classification Sherloc (09022015). Collection method: clinical testing. Allele origin: germline.
Comment: This sequence change replaces leucine, which is neutral and non-polar, with proline, which is neutral and non-polar, at codon 1769 of the MYH7 protein (p.Leu1769Pro). In summary, the available evidence is currently insufficient to determine the role of this variant in disease. Therefore, it has been classified as a Variant of Uncertain Significance. Algorithms developed to predict the effect of missense changes on protein structure and function are either unavailable or do not agree on the potential impact of this missense change (SIFT: "Deleterious"; PolyPhen-2: "Probably Damaging"; Align-GVGD: "Class C0"). ClinVar contains an entry for this variant (Variation ID: 968207). This variant has not been reported in the literature in individuals affected with MYH7-related conditions. This variant is not present in population databases (gnomAD no frequency).